The following is an entry in ClinVar:

ClinVar aggregate classification (germline): Uncertain significance (1 of 4 stars; one submission).

Conditions:
Cardiovascular phenotype. Identifiers: MedGen CN230736.

Allele frequency attached by ClinVar (database versions not stated): gnomAD 0.00001; TOPMed 0.00001.
gnomAD v4.1: 8 of 1,613,410 alleles (0.0005%); highest among the groups gnomAD compares: Non-Finnish European, 0.00068%; no homozygotes.

Submission:

Ambry Genetics
Classification: Uncertain significance for Cardiovascular phenotype. Last evaluated: 2025-03-09. Review status: criteria provided, single submitter. Criteria: Ambry Variant Classification Scheme 2023. Collection method: clinical testing. Allele origin: germline.
Comment: The p.L281P variant (also known as c.842T>C), located in coding exon 6 of the LMF1 gene, results from a T to C substitution at nucleotide position 842. The leucine at codon 281 is replaced by proline, an amino acid with similar properties. This amino acid position is conserved. In addition, the in silico prediction for this alteration is inconclusive. Since supporting evidence is limited at this time, the clinical significance of this alteration remains unclear.

NM_022773.4(LMF1):c.842T>C (p.Leu281Pro)

Gene: LMF1 (lipase maturation factor 1; minus strand). Cytogenetic location: 16p13.3.
Variant type: single nucleotide variant.
Coding change: c.842T>C on transcript NM_022773.4 (MANE Select); coding-DNA position 842, T replaced by C.
Protein change: p.Leu281Pro; replaces leucine 281 with proline.
Molecular consequence: missense variant. On other transcripts: non-coding transcript variant (1).
Genome position (GRCh38, 1-based): chr16:879,625, A>G on the plus strand (T>C on the coding strand, the complement: LMF1 is on the minus strand). VCF-style: chr16-879625-A-G. GRCh37 (hg19) VCF-style: chr16-929625-A-G.
Other names: c.191T>C, p.Leu64Pro (NM_001352017.2, NM_001352021.2); c.443T>C, p.Leu148Pro (NM_001352018.2); c.515T>C, p.Leu172Pro (NM_001352019.2); c.842T>C, p.Leu281Pro (NM_001352020.1); short protein forms L281P, L64P, L148P, L172P.
Identifiers: ClinVar variation 2451808 (VCV002451808.3), dbSNP rs1300612063, ClinGen allele CA394131560.